The following is an entry in ClinVar:

NM_001018115.3(FANCD2):c.922C>T (p.Gln308Ter)

Genes: FANCD2 (FA complementation group D2; plus strand), LOC107303338 (3p25 FANCD2 Alu-mediated recombination region; plus strand). Cytogenetic location: 3p25.3.
Variant type: single nucleotide variant.
Coding change: c.922C>T on transcript NM_001018115.3 (MANE Select); coding-DNA position 922, C replaced by T.
Protein change: p.Gln308Ter; replaces glutamine 308 with a stop codon.
Molecular consequence: nonsense.
Genome position (GRCh38, 1-based): chr3:10,043,083, C>T. VCF-style: chr3-10043083-C-T. GRCh37 (hg19) VCF-style: chr3-10084767-C-T.
Other names: c.922C>T, p.Gln308Ter (NM_001319984.2, NM_001374253.1, NM_001374254.1 and 1 more transcripts); short protein forms Q308*.
Identifiers: ClinVar variation 3251223 (VCV003251223.18), dbSNP rs2124992262.

ClinVar aggregate classification (germline): Pathogenic (1 of 4 stars; one submission).

Submission:

CeGaT Center for Human Genetics Tuebingen
Classification: Pathogenic. Last evaluated: 2024-06-01. Review status: criteria provided, single submitter. Criteria: CeGaT Center For Human Genetics Tuebingen Variant Classification Criteria Version 2. Collection method: clinical testing. Allele origin: germline. Affected: yes. Observed: 1 variant allele.
Comment: FANCD2: PVS1, PM2